The following is an entry in ClinVar:

ClinVar aggregate classification (germline): Uncertain significance (1 of 4 stars; one submission).

Conditions:
Periodic fever-infantile enterocolitis-autoinflammatory syndrome. Also called: Autoinflammation with infantile enterocolitis. Identifiers: Orphanet 436166, MedGen C4015067, MONDO:0014472, OMIM 616050.
Familial cold autoinflammatory syndrome 4 (FCAS4). Identifiers: Orphanet 47045, Orphanet 576349, MedGen C4015276, MONDO:0014498, OMIM 616115.

Submission:

Labcorp Genetics (formerly Invitae), Labcorp
Classification: Uncertain significance for Periodic fever-infantile enterocolitis-autoinflammatory syndrome; Familial cold autoinflammatory syndrome 4. Last evaluated: 2019-05-27. Review status: criteria provided, single submitter. Criteria: Invitae Variant Classification Sherloc (09022015). Collection method: clinical testing. Allele origin: germline.
Comment: This variant is not present in population databases (ExAC no frequency). This sequence change replaces glycine with aspartic acid at codon 62 of the NLRC4 protein (p.Gly62Asp). The glycine residue is highly conserved and there is a moderate physicochemical difference between glycine and aspartic acid. In summary, the available evidence is currently insufficient to determine the role of this variant in disease. Therefore, it has been classified as a Variant of Uncertain Significance. Algorithms developed to predict the effect of missense changes on protein structure and function (SIFT, PolyPhen-2, Align-GVGD) all suggest that this variant is likely to be disruptive, but these predictions have not been confirmed by published functional studies and their clinical significance is uncertain. This variant has not been reported in the literature in individuals with NLRC4-related conditions.

NM_001199138.2(NLRC4):c.185G>A (p.Gly62Asp)

Gene: NLRC4 (NLR family CARD domain containing 4; minus strand). Cytogenetic location: 2p22.3.
Variant type: single nucleotide variant.
Coding change: c.185G>A on transcript NM_001199138.2 (MANE Select); coding-DNA position 185, G replaced by A.
Protein change: p.Gly62Asp; replaces glycine 62 with aspartic acid.
Molecular consequence: missense variant.
Genome position (GRCh38, 1-based): chr2:32,252,496, C>T on the plus strand (G>A on the coding strand, the complement: NLRC4 is on the minus strand). VCF-style: chr2-32252496-C-T. GRCh37 (hg19) VCF-style: chr2-32477565-C-T.
Other names: c.185G>A, p.Gly62Asp (NM_001199139.2, NM_001302504.2, NM_021209.5); short protein forms G62D.
Identifiers: ClinVar variation 946149 (VCV000946149.9), dbSNP rs1687101729, ClinGen allele CA346516804.